The following is an entry in ClinVar:

NM_153676.4(USH1C):c.2488G>A (p.Gly830Arg)

Gene: USH1C (USH1 protein network component harmonin; minus strand). Cytogenetic location: 11p15.1.
Variant type: single nucleotide variant.
Coding change: c.2488G>A on transcript NM_153676.4 (MANE Select); coding-DNA position 2488, G replaced by A.
Protein change: p.Gly830Arg; replaces glycine 830 with arginine.
Molecular consequence: missense variant. On other transcripts: non-coding transcript variant (1).
Genome position (GRCh38, 1-based): chr11:17,498,164, C>T on the plus strand (G>A on the coding strand, the complement: USH1C is on the minus strand). VCF-style: chr11-17498164-C-T. GRCh37 (hg19) VCF-style: chr11-17519711-C-T.
Other names: c.1531G>A, p.Gly511Arg (NM_001297764.2); c.1588G>A, p.Gly530Arg (NM_005709.4); short protein forms G530R, G830R, G511R.
Identifiers: ClinVar variation 48005 (VCV000048005.33), dbSNP rs142751309, ClinGen allele CA142353.

ClinVar aggregate classification (germline): Benign/Likely benign. Review status: criteria provided, multiple submitters, no conflicts (2 of 4 stars). 6 submissions from 6 submitters: Benign (2); Likely benign (4). Last evaluated 2026-01-28.

Allele frequency attached by ClinVar (database versions not stated): gnomAD exomes 0.00042 and 0.00117; gnomAD 0.00442 and 0.00407; 1000 Genomes Project 30x 0.00453; TOPMed 0.00468; ESP Exome Variant Server 0.00485; 1000 Genomes Project 0.00499; ExAC 0.00141.
gnomAD v4.1: 1,265 of 1,613,860 alleles (0.078%); highest among the groups gnomAD compares: African/African-American, 1.4%; 6 homozygotes.

Submissions (6):

Labcorp Genetics (formerly Invitae), Labcorp
Classification: Benign. Last evaluated: 2026-01-28. Review status: criteria provided, single submitter. Criteria: Invitae Variant Classification Sherloc (09022015). Collection method: clinical testing. Allele origin: germline.

CeGaT Center for Human Genetics Tuebingen
Classification: Likely benign. Last evaluated: 2025-01-01. Review status: criteria provided, single submitter. Criteria: CeGaT Center For Human Genetics Tuebingen Variant Classification Criteria Version 2. Collection method: clinical testing. Allele origin: germline. Affected: yes. Observed: 1 variant allele.
Comment: USH1C: BP4, BS1

Blueprint Genetics
Classification: Likely benign. Last evaluated: 2024-09-17. Review status: criteria provided, single submitter. Criteria: ACMG Guidelines, 2015. Collection method: clinical testing. Allele origin: germline.

GeneDx
Classification: Likely benign. Last evaluated: 2021-03-19. Review status: criteria provided, single submitter. Criteria: GeneDx Variant Classification Process June 2021. Collection method: clinical testing. Allele origin: germline. Affected: yes.

Laboratory for Molecular Medicine, Mass General Brigham Personalized Medicine
Classification: Benign. Last evaluated: 2012-05-15. Review status: criteria provided, single submitter. Criteria: LMM Criteria. Collection method: clinical testing. Allele origin: germline. Observed: 6 variant alleles.
Comment: Gly830Arg in Exon 24 of USH1C: This variant is not expected to have clinical sig nificance because it has been identified in 1.3% (47/3738) of African American c hromosomes from a broad population by the NHLBI Exome Sequencing Project (dbSNP rs142751309).

Breakthrough Genomics
Classification: Likely benign. Review status: criteria provided, single submitter. Criteria: ACMG Guidelines, 2015. Collection method: not provided. Allele origin: germline. Inheritance: Autosomal recessive inheritance. Affected: yes.